The following is an entry in ClinVar:

ClinVar aggregate classification (germline): Uncertain significance (1 of 4 stars; one submission).

Submission:

Labcorp Genetics (formerly Invitae), Labcorp
Classification: Uncertain significance. Last evaluated: 2025-04-11. Review status: criteria provided, single submitter. Criteria: Invitae Variant Classification Sherloc (09022015). Collection method: clinical testing. Allele origin: germline.
Comment: This sequence change replaces serine, which is neutral and polar, with isoleucine, which is neutral and non-polar, at codon 1893 of the POLE protein (p.Ser1893Ile). This variant also falls at the last nucleotide of exon 41, which is part of the consensus splice site for this exon. This variant is not present in population databases (gnomAD no frequency). This variant has not been reported in the literature in individuals affected with POLE-related conditions. An algorithm developed to predict the effect of missense changes on protein structure and function (PolyPhen-2) suggests that this variant is likely to be disruptive. Variants that disrupt the consensus splice site are a relatively common cause of aberrant splicing (PMID: 17576681, 9536098). Algorithms developed to predict the effect of sequence changes on RNA splicing suggest that this variant may disrupt the consensus splice site. In summary, the available evidence is currently insufficient to determine the role of this variant in disease. Therefore, it has been classified as a Variant of Uncertain Significance.

Literature cited by the submitters: PubMed 17576681; PubMed 9536098.

NM_006231.4(POLE):c.5678G>T (p.Ser1893Ile)

Gene: POLE (DNA polymerase epsilon, catalytic subunit; minus strand). Cytogenetic location: 12q24.33.
Variant type: single nucleotide variant.
Coding change: c.5678G>T on transcript NM_006231.4 (MANE Select); coding-DNA position 5678, G replaced by T.
Protein change: p.Ser1893Ile; replaces serine 1893 with isoleucine.
Molecular consequence: missense variant.
Genome position (GRCh38, 1-based): chr12:132,638,014, C>A on the plus strand (G>T on the coding strand, the complement: POLE is on the minus strand). VCF-style: chr12-132638014-C-A. GRCh37 (hg19) VCF-style: chr12-133214600-C-A.
Other names: short protein forms S1893I.
Identifiers: ClinVar variation 4748750 (VCV004748750.1).